The following is an entry in ClinVar:

ClinVar aggregate classification (germline): Uncertain significance (1 of 4 stars; one submission).

Allele frequency attached by ClinVar (database versions not stated): TOPMed below 0.00001.

Submission:

Labcorp Genetics (formerly Invitae), Labcorp
Classification: Uncertain significance. Last evaluated: 2021-04-17. Review status: criteria provided, single submitter. Criteria: Invitae Variant Classification Sherloc (09022015). Collection method: clinical testing. Allele origin: germline.
Comment: This variant has not been reported in the literature in individuals with POU4F3-related conditions. In summary, the available evidence is currently insufficient to determine the role of this variant in disease. Therefore, it has been classified as a Variant of Uncertain Significance. Algorithms developed to predict the effect of missense changes on protein structure and function are either unavailable or do not agree on the potential impact of this missense change (SIFT: "Deleterious"; PolyPhen-2: "Benign"; Align-GVGD: "Class C65"). This variant is not present in population databases (ExAC no frequency). This sequence change replaces alanine with serine at codon 62 of the POU4F3 protein (p.Ala62Ser). The alanine residue is highly conserved and there is a moderate physicochemical difference between alanine and serine.

NM_002700.3(POU4F3):c.184G>T (p.Ala62Ser)

Genes: POU4F3 (POU class 4 homeobox 3; plus strand), RBM27-POU4F3 (RBM27-POU4F3 readthrough; plus strand). Cytogenetic location: 5q32.
Variant type: single nucleotide variant.
Coding change: c.184G>T on transcript NM_002700.3 (MANE Select); coding-DNA position 184, G replaced by T.
Protein change: p.Ala62Ser; replaces alanine 62 with serine.
Molecular consequence: missense variant.
Genome position (GRCh38, 1-based): chr5:146,339,611, G>T. VCF-style: chr5-146339611-G-T. GRCh37 (hg19) VCF-style: chr5-145719174-G-T.
Other names: short protein forms A62S.
Identifiers: ClinVar variation 1483480 (VCV001483480.8), dbSNP rs1760419302, ClinGen allele CA361620185.